The following is an entry in ClinVar:

ClinVar aggregate classification (germline): Pathogenic (1 of 4 stars; one submission).

Submission:

Labcorp Genetics (formerly Invitae), Labcorp
Classification: Pathogenic. Last evaluated: 2023-07-07. Review status: criteria provided, single submitter. Criteria: Invitae Variant Classification Sherloc (09022015). Collection method: clinical testing. Allele origin: germline.
Comment: For these reasons, this variant has been classified as Pathogenic. This variant disrupts a region of the CYP4V2 protein in which other variant(s) (p.Arg465Gly) have been determined to be pathogenic (PMID: 23221965, 24480711, 25629076, 28051075, 29691984). This suggests that this is a clinically significant region of the protein, and that variants that disrupt it are likely to be disease-causing. This variant has not been reported in the literature in individuals affected with CYP4V2-related conditions. This variant is a gross deletion of the genomic region encompassing exon(s) 8-11 of the CYP4V2 gene, which includes the termination codon. This deletion extends beyond the assayed region for this gene and therefore may encompass additional genes. While this deletion is not anticipated to lead to nonsense mediated decay, it is expected to alter mRNA translation or result in a truncated protein product.

Literature cited by the submitters: PubMed 23221965; PubMed 24480711; PubMed 25629076; PubMed 28051075; PubMed 29691984.

NC_000004.11:g.(?_187126334)_(187131795_?)del

Gene: CYP4V2 (cytochrome P450 family 4 subfamily V member 2; plus strand). Cytogenetic location: 4q35.2.
Variant type: Deletion.
Identifiers: ClinVar variation 2427778 (VCV002427778.3).